The following is an entry in ClinVar:

NM_194454.3(KRIT1):c.421G>A (p.Val141Ile)

Gene: KRIT1 (KRIT1 ankyrin repeat containing; minus strand). Cytogenetic location: 7q21.2.
Variant type: single nucleotide variant.
Coding change: c.421G>A on transcript NM_194454.3 (MANE Select); coding-DNA position 421, G replaced by A.
Protein change: p.Val141Ile; replaces valine 141 with isoleucine.
Molecular consequence: missense variant. On other transcripts: 5 prime UTR variant (1).
Genome position (GRCh38, 1-based): chr7:92,236,477, C>T on the plus strand (G>A on the coding strand, the complement: KRIT1 is on the minus strand). VCF-style: chr7-92236477-C-T. GRCh37 (hg19) VCF-style: chr7-91865791-C-T.
Other names: c.421G>A, p.Val141Ile (NM_001013406.2, NM_001350669.1, NM_001350670.1 and 29 more transcripts); c.-163G>A (NM_001350671.1); short protein forms V141I.
Identifiers: ClinVar variation 1507234 (VCV001507234.7), dbSNP rs2131675934, ClinGen allele CA368162375.
Genomic context (GRCh38, chr7:92,236,477, plus strand): 5'-CCAAGGCTATTAACATCCTTGCTGTAAGTGTAGCAAAATGAGTACTGGATTCACTACAGA[C>T]TCGCATAATATCTTGTAAGCAGTAAAAAATTGGGCATCCTGGGGTATATGTGTATTTAGT-3'
Protein context (NP_919436.1, residues 131-151): IFYCLQDIMR[Val141Ile]CSESSTHFAT

ClinVar aggregate classification (germline): Uncertain significance. Review status: criteria provided, multiple submitters, no conflicts (2 of 4 stars). 2 submissions from 2 submitters: Uncertain significance (2). Last evaluated 2025-10-17.

Conditions:
Inborn genetic diseases. Identifiers: MedGen C0950123, MeSH D030342.
Cerebral cavernous malformation (CCM). Also called: Cavernous Hemangioma of Brain; Cerebral cavernous malformations; CEREBRAL CAPILLARY MALFORMATIONS; CAVERNOUS ANGIOMA, FAMILIAL; CAVERNOUS ANGIOMATOUS MALFORMATIONS; Cerebral cavernous hemangioma (type). Identifiers: Orphanet 221061, MedGen C2919945, MONDO:0000820, OMIM 116860, HP:0033522.

Allele frequency attached by ClinVar (database versions not stated): gnomAD exomes below 0.00001.

Submissions (2):

Ambry Genetics
Classification: Uncertain significance for Inborn genetic diseases. Last evaluated: 2025-10-17. Review status: criteria provided, single submitter. Criteria: Ambry Variant Classification Scheme 2023. Collection method: clinical testing. Allele origin: germline.

Labcorp Genetics (formerly Invitae), Labcorp
Classification: Uncertain significance for Cerebral cavernous malformation. Last evaluated: 2023-08-04. Review status: criteria provided, single submitter. Criteria: Invitae Variant Classification Sherloc (09022015). Collection method: clinical testing. Allele origin: germline.
Comment: This sequence change replaces valine, which is neutral and non-polar, with isoleucine, which is neutral and non-polar, at codon 141 of the KRIT1 protein (p.Val141Ile). This variant is not present in population databases (gnomAD no frequency). This variant has not been reported in the literature in individuals affected with KRIT1-related conditions. ClinVar contains an entry for this variant (Variation ID: 1507234). Advanced modeling of protein sequence and biophysical properties (such as structural, functional, and spatial information, amino acid conservation, physicochemical variation, residue mobility, and thermodynamic stability) performed at Invitae indicates that this missense variant is not expected to disrupt KRIT1 protein function. In summary, the available evidence is currently insufficient to determine the role of this variant in disease. Therefore, it has been classified as a Variant of Uncertain Significance.